The following is an entry in ClinVar:

NM_001363118.2(SLC52A2):c.973T>G (p.Cys325Gly)

Gene: SLC52A2 (solute carrier family 52 member 2; plus strand). Cytogenetic location: 8q24.3.
Variant type: single nucleotide variant.
Coding change: c.973T>G on transcript NM_001363118.2 (MANE Select); coding-DNA position 973, T replaced by G.
Protein change: p.Cys325Gly; replaces cysteine 325 with glycine.
Molecular consequence: missense variant. On other transcripts: non-coding transcript variant (1).
Genome position (GRCh38, 1-based): chr8:144,360,465, T>G. VCF-style: chr8-144360465-T-G. GRCh37 (hg19) VCF-style: chr8-145584125-T-G.
Other names: c.973T>G, p.Cys325Gly (NM_001253815.2, NM_001253816.2, NM_001363120.2 and 2 more transcripts); c.481T>G, p.Cys161Gly (NM_001363122.2); short protein forms C161G, C325G.
Identifiers: ClinVar variation 984397 (VCV000984397.2), dbSNP rs1554854341, ClinGen allele CA372628579.

ClinVar aggregate classification (germline): Likely pathogenic. Review status: criteria provided, multiple submitters, no conflicts (2 of 4 stars). 2 submissions from 2 submitters: Likely pathogenic (2). Last evaluated 2020-09-30.

Conditions:
Brown-Vialetto-van Laere syndrome 2. Also called: SPINOCEREBELLAR ATAXIA WITH BLINDNESS AND DEAFNESS 2; Riboflavin transporter deficiency type 2. Identifiers: Orphanet 572543, Orphanet 97229, MedGen C3553538, MONDO:0013867, OMIM 614707.
Sensorineural hearing loss disorder. Also called: Sensorineural hearing impairment; Sensorineural Deafness; Sensorineural hearing loss. Identifiers: MedGen C0018784, MeSH D006319, MONDO:0020678, HP:0000407.

Submissions (2):

Genetics Research Center, University of Social Welfare and Rehabilitation Sciences
Classification: Likely pathogenic for Sensorineural hearing loss disorder. Last evaluated: 2020-09-30. Review status: criteria provided, single submitter. Criteria: ACMG Guidelines, 2015. Collection method: clinical testing. Allele origin: germline. Affected: yes.

Neuberg Centre For Genomic Medicine, NCGM
Classification: Likely pathogenic for Brown-Vialetto-van Laere syndrome 2. Review status: criteria provided, single submitter. Criteria: ACMG Guidelines, 2015. Collection method: clinical testing. Allele origin: germline. Affected: yes.
Comment: The missense variant p.C325G in SLC52A2 (NM_001363118.2) has been previously reported in individuals affected with progressive severe hearing loss, optic atrophy and ataxia (Babanejad et al, 2018). The p.C325G variant is novel (not in any individuals) in gnomAD Exomes and is novel (not in any individuals) in 1000 Genomes. There is a large physicochemical difference between cysteine and glycine, which is likely to impact secondary protein structure as these residues differ in polarity, charge, size and/or other properties. The p.C325G missense variant is predicted to be damaging by both SIFT and PolyPhen2. The cysteine residue at codon 325 of SLC52A2 is conserved in all mammalian species. The nucleotide c.973 in SLC52A2 is predicted conserved by GERP++ and PhyloP across 100 vertebrates. For these reasons, this variant has been classified as Likely Pathogenic.